The following is an entry in ClinVar:

NM_001130438.3(SPTAN1):c.4571G>A (p.Ser1524Asn)

Gene: SPTAN1 (spectrin alpha, non-erythrocytic 1; plus strand). Cytogenetic location: 9q34.11.
Variant type: single nucleotide variant.
Coding change: c.4571G>A on transcript NM_001130438.3 (MANE Select); coding-DNA position 4571, G replaced by A.
Protein change: p.Ser1524Asn; replaces serine 1524 with asparagine.
Molecular consequence: missense variant.
Genome position (GRCh38, 1-based): chr9:128,608,953, G>A. VCF-style: chr9-128608953-G-A. GRCh37 (hg19) VCF-style: chr9-131371232-G-A.
Other names: c.4511G>A, p.Ser1504Asn (NM_001195532.2, NM_001363765.2, NM_001375314.2); c.4571G>A, p.Ser1524Asn (NM_001363759.2, NM_001375310.1, NM_001375311.2 and 2 more transcripts); c.4607G>A, p.Ser1536Asn (NM_001375312.2, NM_001375318.1); short protein forms S1504N, S1524N, S1536N.
Identifiers: ClinVar variation 2128633 (VCV002128633.4), dbSNP rs2541774915, ClinGen allele CA375068462.

ClinVar aggregate classification (germline): Uncertain significance (1 of 4 stars; one submission).

Conditions:
Early-infantile DEE. Also called: Early infantile epileptic encephalopathy; Ohtahara syndrome; Early infantile epileptic encephalopathy with suppression bursts. Identifiers: Orphanet 1934, MedGen C0393706, MONDO:0800491.

Submission:

Labcorp Genetics (formerly Invitae), Labcorp
Classification: Uncertain significance for Early-infantile DEE. Last evaluated: 2025-09-02. Review status: criteria provided, single submitter. Criteria: Invitae Variant Classification Sherloc (09022015). Collection method: clinical testing. Allele origin: germline.
Comment: This sequence change replaces serine, which is neutral and polar, with asparagine, which is neutral and polar, at codon 1524 of the SPTAN1 protein (p.Ser1524Asn). This variant is not present in population databases (gnomAD no frequency). This variant has not been reported in the literature in individuals affected with SPTAN1-related conditions. ClinVar contains an entry for this variant (Variation ID: 2128633). An algorithm developed to predict the effect of missense changes on protein structure and function outputs the following: PolyPhen-2: "Not Available". The asparagine amino acid residue is found in multiple mammalian species, which suggests that this missense change does not adversely affect protein function. In summary, the available evidence is currently insufficient to determine the role of this variant in disease. Therefore, it has been classified as a Variant of Uncertain Significance.